The following is an entry in ClinVar:

ClinVar aggregate classification (germline): Likely benign (1 of 4 stars; one submission).

Allele frequency attached by ClinVar (database versions not stated): gnomAD exomes 0.00001; gnomAD 0.00005; ExAC 0.00006; TOPMed 0.00008; 1000 Genomes Project 30x 0.00016; 1000 Genomes Project 0.00020.
gnomAD v4.1: 28 of 1,613,352 alleles (0.0017%); highest among the groups gnomAD compares: Admixed American, 0.02%; 1 homozygote.

Submission:

CeGaT Center for Human Genetics Tuebingen
Classification: Likely benign. Last evaluated: 2023-02-01. Review status: criteria provided, single submitter. Criteria: CeGaT Center For Human Genetics Tuebingen Variant Classification Criteria Version 2. Collection method: clinical testing. Allele origin: germline. Affected: yes. Observed: 1 variant allele.
Comment: ZFHX3: BP4, BP7

NM_006885.4(ZFHX3):c.1953C>T (p.Ser651=)

Gene: ZFHX3 (zinc finger homeobox 3; minus strand). Cytogenetic location: 16q22.3.
Variant type: single nucleotide variant.
Coding change: c.1953C>T on transcript NM_006885.4 (MANE Select); coding-DNA position 1953, C replaced by T.
Protein change: p.Ser651=; no amino-acid change (serine 651 retained).
Molecular consequence: synonymous variant. On other transcripts: intron variant (1).
Genome position (GRCh38, 1-based): chr16:72,958,193, G>A on the plus strand (C>T on the coding strand, the complement: ZFHX3 is on the minus strand). VCF-style: chr16-72958193-G-A. GRCh37 (hg19) VCF-style: chr16-72992092-G-A.
Other names: c.1953C>T, p.Ser651= (NM_001386735.1); c.-23-7228C>T (NM_001164766.2).
Identifiers: ClinVar variation 2646843 (VCV002646843.24), dbSNP rs541643115, ClinGen allele CA8164579.